The following is an entry in ClinVar:

NM_002878.4(RAD51D):c.794G>C (p.Gly265Ala)

Genes: RAD51D (RAD51 paralog D; minus strand), RAD51L3-RFFL (RAD51L3-RFFL readthrough; minus strand). Cytogenetic location: 17q12.
Variant type: single nucleotide variant.
Coding change: c.794G>C on transcript NM_002878.4 (MANE Select); coding-DNA position 794, G replaced by C.
Protein change: p.Gly265Ala; replaces glycine 265 with alanine.
Molecular consequence: missense variant. On other transcripts: non-coding transcript variant (3).
Genome position (GRCh38, 1-based): chr17:35,101,310, C>G on the plus strand (G>C on the coding strand, the complement: RAD51D is on the minus strand). VCF-style: chr17-35101310-C-G. GRCh37 (hg19) VCF-style: chr17-33428329-C-G.
Other names: c.854G>C, p.Gly285Ala (NM_001142571.2); c.458G>C, p.Gly153Ala (NM_133629.3); short protein forms G265A, G153A, G285A.
Identifiers: ClinVar variation 490146 (VCV000490146.10), dbSNP rs1466324380, ClinGen allele CA399086820.

ClinVar aggregate classification (germline): Uncertain significance. Review status: criteria provided, multiple submitters, no conflicts (2 of 4 stars). 2 submissions from 2 submitters: Uncertain significance (2). Last evaluated 2025-03-18.

Conditions:
Hereditary cancer-predisposing syndrome. Also called: Hereditary Cancer Syndrome; Neoplastic Syndromes, Hereditary; Tumor predisposition; Hereditary neoplastic syndrome. Identifiers: Orphanet 140162, MedGen C0027672, MeSH D009386, MONDO:0015356.

Allele frequency attached by ClinVar (database versions not stated): gnomAD exomes below 0.00001 and 0.00001.
gnomAD v4.1: 9 of 1,614,154 alleles (0.00056%); highest among the groups gnomAD compares: Non-Finnish European, 0.00076%; no homozygotes.

Submissions (2):

Ambry Genetics
Classification: Uncertain significance for Hereditary cancer-predisposing syndrome. Last evaluated: 2025-03-18. Review status: criteria provided, single submitter. Criteria: Ambry Variant Classification Scheme 2023. Collection method: clinical testing. Allele origin: germline.
Comment: The p.G265A variant (also known as c.794G>C), located in coding exon 9 of the RAD51D gene, results from a G to C substitution at nucleotide position 794. The glycine at codon 265 is replaced by alanine, an amino acid with similar properties. This amino acid position is highly conserved in available vertebrate species. In addition, this alteration is predicted to be deleterious by in silico analysis. Since supporting evidence is limited at this time, the clinical significance of this alteration remains unclear.

Color Diagnostics, LLC DBA Color Health
Classification: Uncertain significance for Hereditary cancer-predisposing syndrome. Last evaluated: 2023-12-05. Review status: criteria provided, single submitter. Criteria: ACMG Guidelines, 2015. Collection method: clinical testing. Allele origin: germline.
Comment: This missense variant replaces glycine with alanine at codon 265 of the RAD51D protein. Computational prediction is inconclusive regarding the impact of this variant on protein structure and function (internally defined REVEL score threshold 0.5 < inconclusive < 0.7, PMID: 27666373). To our knowledge, functional studies have not been reported for this variant. This variant has not been reported in individuals affected with RAD51D-related disorders in the literature. This variant has been identified in 1/251428 chromosomes in the general population by the Genome Aggregation Database (gnomAD). The available evidence is insufficient to determine the role of this variant in disease conclusively. Therefore, this variant is classified as a Variant of Uncertain Significance.